The following is an entry in ClinVar:

ClinVar aggregate classification (germline): Uncertain significance (1 of 4 stars; one submission).

Allele frequency attached by ClinVar (database versions not stated): gnomAD exomes 0.00001; ExAC 0.00001.
gnomAD v4.1: 16 of 1,613,476 alleles (0.00099%); highest among the groups gnomAD compares: Non-Finnish European, 0.0013%; no homozygotes.

Submission:

Labcorp Genetics (formerly Invitae), Labcorp
Classification: Uncertain significance. Last evaluated: 2022-05-12. Review status: criteria provided, single submitter. Criteria: Invitae Variant Classification Sherloc (09022015). Collection method: clinical testing. Allele origin: germline.
Comment: In summary, the available evidence is currently insufficient to determine the role of this variant in disease. Therefore, it has been classified as a Variant of Uncertain Significance. Algorithms developed to predict the effect of missense changes on protein structure and function (SIFT, PolyPhen-2, Align-GVGD) all suggest that this variant is likely to be disruptive. This variant has not been reported in the literature in individuals affected with CYP2R1-related conditions. This variant is present in population databases (rs781969896, gnomAD 0.003%). This sequence change replaces arginine, which is basic and polar, with glycine, which is neutral and non-polar, at codon 109 of the CYP2R1 protein (p.Arg109Gly).

NM_024514.5(CYP2R1):c.325A>G (p.Arg109Gly)

Genes: CYP2R1 (cytochrome P450 family 2 subfamily R member 1; minus strand), PDE3B (phosphodiesterase 3B; plus strand). Cytogenetic location: 11p15.2.
Variant type: single nucleotide variant.
Coding change: c.325A>G on transcript NM_024514.5 (MANE Select); coding-DNA position 325, A replaced by G.
Protein change: p.Arg109Gly; replaces arginine 109 with glycine.
Molecular consequence: missense variant. On other transcripts: 5 prime UTR variant (9), non-coding transcript variant (12).
Genome position (GRCh38, 1-based): chr11:14,885,818, T>C on the plus strand (A>G on the coding strand, the complement: CYP2R1 is on the minus strand). VCF-style: chr11-14885818-T-C. GRCh37 (hg19) VCF-style: chr11-14907364-T-C.
Other names: c.-21A>G (NM_001377214.1, NM_001377215.1, NM_001377216.1 and 6 more transcripts); c.163A>G, p.Arg55Gly (NM_001377217.1); c.35A>G, p.Gln12Arg (NM_001400562.1, NM_001400563.1, NM_001400564.1 and 1 more transcripts); c.181A>G, p.Arg61Gly (NM_001400567.1); c.280A>G, p.Arg94Gly (NM_001400568.1); short protein forms R55G, R61G, Q12R, R109G, R94G.
Identifiers: ClinVar variation 2068341 (VCV002068341.4), dbSNP rs781969896, ClinGen allele CA5896719.
Genomic context (GRCh38, chr11:14,885,818, plus strand): 5'-AGGTGCAAATAAACATACCTCCCATTTTTGTCATCTTCATGAATAAAGGAAGGCATGGTC[T>C]GTCTGCAAAAATTTCGCTTTGATGAACAAGGCATTCCTTTACTACATCATAGCCATTTAG-3'
Protein context (NP_078790.2, residues 99-119): LVHQSEIFAD[Arg109Gly]PCLPLFMKMT